The following is an entry in ClinVar:

ClinVar aggregate classification (germline): Conflicting classifications of pathogenicity. Review status: criteria provided, conflicting classifications (1 of 4 stars). 6 submissions from 4 submitters: Uncertain significance (3); Likely benign (3). Last evaluated 2026-01-28.

Conditions:
Usher syndrome type 1 (USH1). Also called: RETINITIS PIGMENTOSA AND CONGENITAL DEAFNESS. Identifiers: Orphanet 231169, Orphanet 886, MedGen C1568247, MONDO:0010168, OMIM 276900.
Autosomal dominant nonsyndromic hearing loss 11. Identifiers: Orphanet 90635, MedGen C1832475, MONDO:0011032, OMIM 601317.
Autosomal recessive nonsyndromic hearing loss 2. Also called: DEAFNESS, AUTOSOMAL RECESSIVE 2; NEUROSENSORY NONSYNDROMIC RECESSIVE DEAFNESS 2. Identifiers: Orphanet 90636, MedGen C1838701, MONDO:0010807, OMIM 600060.

Allele frequency attached by ClinVar (database versions not stated): gnomAD exomes 0.00001 and 0.00002; TOPMed 0.00001.

Submissions (6):

Labcorp Genetics (formerly Invitae), Labcorp
Classification: Likely benign. Last evaluated: 2026-01-28. Review status: criteria provided, single submitter. Criteria: Invitae Variant Classification Sherloc (09022015). Collection method: clinical testing. Allele origin: germline.

GeneDx
Classification: Likely benign. Last evaluated: 2018-04-17. Review status: criteria provided, single submitter. Criteria: GeneDx Variant Classification (06012015). Collection method: clinical testing. Allele origin: germline. Affected: yes.
Comment: This variant is considered likely benign or benign based on one or more of the following criteria: it is a conservative change, it occurs at a poorly conserved position in the protein, it is predicted to be benign by multiple in silico algorithms, and/or has population frequency not consistent with disease.

Illumina Laboratory Services, Illumina
Classification: Uncertain significance for Autosomal recessive nonsyndromic hearing loss 2. Last evaluated: 2017-04-27. Review status: criteria provided, single submitter. Criteria: ICSL Variant Classification Criteria 13 December 2019. Collection method: clinical testing. Allele origin: germline.

Illumina Laboratory Services, Illumina
Classification: Uncertain significance for Autosomal dominant nonsyndromic hearing loss 11. Last evaluated: 2017-04-27. Review status: criteria provided, single submitter. Criteria: ICSL Variant Classification Criteria 13 December 2019. Collection method: clinical testing. Allele origin: germline.

Illumina Laboratory Services, Illumina
Classification: Uncertain significance for Usher syndrome type 1. Last evaluated: 2017-04-27. Review status: criteria provided, single submitter. Criteria: ICSL Variant Classification Criteria 13 December 2019. Collection method: clinical testing. Allele origin: germline.

Laboratory for Molecular Medicine, Mass General Brigham Personalized Medicine
Classification: Likely benign. Last evaluated: 2016-08-09. Review status: criteria provided, single submitter. Criteria: LMM Criteria. Collection method: clinical testing. Allele origin: germline. Observed: 1 variant allele.
Comment: p.Arg206Arg in exon 7 of MYO7A: This variant is not expected to have clinical si gnificance because it does not alter an amino acid residue and is not located wi thin the splice consensus sequence.

NM_000260.4(MYO7A):c.618C>T (p.Arg206=)

Gene: MYO7A (myosin VIIA; plus strand). Cytogenetic location: 11q13.5.
Variant type: single nucleotide variant.
Coding change: c.618C>T on transcript NM_000260.4 (MANE Select); coding-DNA position 618, C replaced by T.
Protein change: p.Arg206=; no amino-acid change (arginine 206 retained).
Molecular consequence: synonymous variant.
Genome position (GRCh38, 1-based): chr11:77,156,887, C>T. VCF-style: chr11-77156887-C-T. GRCh37 (hg19) VCF-style: chr11-76867933-C-T.
Other names: c.618C>T, p.Arg206= (NM_001127180.2); c.585C>T, p.Arg195= (NM_001369365.1).
Identifiers: ClinVar variation 505248 (VCV000505248.19), dbSNP rs375851346, ClinGen allele CA224827208.
Genomic context (GRCh38, chr11:77,156,887, plus strand): 5'-CGGGCTTTGCCAGTGACACCCTACTCACTCCGCAGCATTTGGGAATGCCAAGACCATCCG[C>T]AATGACAACTCAAGCCGTTTCGGAAAGTACATCGACATCCACTTCAACAAGCGGGGCGCC-3'
Protein context (NP_000251.3, residues 196-216): LEAFGNAKTI[Arg206=]NDNSSRFGKY